The following is an entry in ClinVar:

ClinVar aggregate classification (germline): Likely benign (1 of 4 stars; one submission).

Conditions:
Maple syrup urine disease (MSUD). Identifiers: Orphanet 511, MedGen C0024776, MeSH D008375, MONDO:0009563. Disease mechanism: loss of function.

Allele frequency attached by ClinVar (database versions not stated): gnomAD 0.00074 and 0.00085; TOPMed 0.00090; 1000 Genomes Project 0.00220.

Submission:

Illumina Laboratory Services, Illumina
Classification: Likely benign for Maple syrup urine disease type 1A. Last evaluated: 2018-01-12. Review status: criteria provided, single submitter. Criteria: ICSL Variant Classification Criteria 13 December 2019. Collection method: clinical testing. Allele origin: germline.
Comment: This variant was observed in the ICSL laboratory as part of a predisposition screen in an ostensibly healthy population. It had not been previously curated by ICSL or reported in the Human Gene Mutation Database (HGMD: prior to June 1st, 2018), and was therefore a candidate for classification through an automated scoring system. Utilizing variant allele frequency, disease prevalence and penetrance estimates, and inheritance mode, an automated score was calculated to assess if this variant is too frequent to cause the disease. Based on the score and internal cut-off values, a variant classified as likely benign is not then subjected to further curation. The score for this variant resulted in a classification of likely benign for this disease.

NM_001918.5(DBT):c.*4273C>A

Gene: DBT (dihydrolipoamide branched chain transacylase E2; minus strand). Cytogenetic location: 1p21.2.
Variant type: single nucleotide variant.
Coding change: c.*4273C>A on transcript NM_001918.5 (MANE Select); 4273 bases downstream of the stop codon, C replaced by A.
Molecular consequence: 3 prime UTR variant.
Genome position (GRCh38, 1-based): chr1:100,191,982, G>T on the plus strand (C>A on the coding strand, the complement: DBT is on the minus strand). VCF-style: chr1-100191982-G-T. GRCh37 (hg19) VCF-style: chr1-100657538-G-T.
Identifiers: ClinVar variation 291416 (VCV000291416.5), dbSNP rs12568926, ClinGen allele CA10607174.